The following is an entry in ClinVar:

NM_000179.3(MSH6):c.2389G>T (p.Asp797Tyr)

Gene: MSH6 (mutS homolog 6; plus strand). Cytogenetic location: 2p16.3.
Variant type: single nucleotide variant.
Coding change: c.2389G>T on transcript NM_000179.3 (MANE Select); coding-DNA position 2389, G replaced by T.
Protein change: p.Asp797Tyr; replaces aspartic acid 797 with tyrosine.
Molecular consequence: missense variant.
Genome position (GRCh38, 1-based): chr2:47,800,372, G>T. VCF-style: chr2-47800372-G-T. GRCh37 (hg19) VCF-style: chr2-48027511-G-T.
Other names: c.1999G>T, p.Asp667Tyr (NM_001281492.2); c.1483G>T, p.Asp495Tyr (NM_001281493.2, NM_001281494.2, NM_001406811.1 and 6 more transcripts); c.2485G>T, p.Asp829Tyr (NM_001406795.1, NM_001406802.1); c.2389G>T, p.Asp797Tyr (NM_001406796.1, NM_001406798.1, NM_001406800.1 and 2 more transcripts); c.2092G>T, p.Asp698Tyr (NM_001406797.1, NM_001406801.1, NM_001406805.1 and 10 more transcripts); c.1864G>T, p.Asp622Tyr (NM_001406799.1, NM_001406806.1, NM_001406807.1); c.2311G>T, p.Asp771Tyr (NM_001406804.1); c.2395G>T, p.Asp799Tyr (NM_001406813.1); and 1 more; short protein forms D799Y, D829Y, D667Y, D698Y, D741Y, D771Y, D495Y, D622Y.
Identifiers: ClinVar variation 1790529 (VCV001790529.2), dbSNP rs2104404139, ClinGen allele CA346753821.

ClinVar aggregate classification (germline): Uncertain significance (1 of 4 stars; one submission).

Conditions:
Hereditary cancer-predisposing syndrome. Also called: Hereditary Cancer Syndrome; Hereditary neoplastic syndrome; Tumor predisposition; Neoplastic Syndromes, Hereditary. Identifiers: Orphanet 140162, MedGen C0027672, MeSH D009386, MONDO:0015356.

Submission:

Ambry Genetics
Classification: Uncertain significance for Hereditary cancer-predisposing syndrome. Last evaluated: 2019-01-23. Review status: criteria provided, single submitter. Criteria: Ambry Variant Classification Scheme 2023. Collection method: clinical testing. Allele origin: germline.
Comment: The p.D797Y variant (also known as c.2389G>T), located in coding exon 4 of the MSH6 gene, results from a G to T substitution at nucleotide position 2389. The aspartic acid at codon 797 is replaced by tyrosine, an amino acid with highly dissimilar properties. This amino acid position is well conserved in available vertebrate species. In addition, this alteration is predicted to be deleterious by in silico analysis. In addition, the CoDP in silico tool predicts this alteration to have a likely impact on molecular function, with a score of 0.741 (Terui H et al. J. Biomed. Sci. 2013 Apr;20:25). Since supporting evidence is limited at this time, the clinical significance of this alteration remains unclear.